The following is an entry in ClinVar:

NM_004247.4(EFTUD2):c.1471C>T (p.His491Tyr)

Gene: EFTUD2 (elongation factor Tu GTP binding domain containing 2; minus strand). Cytogenetic location: 17q21.31.
Variant type: single nucleotide variant.
Coding change: c.1471C>T on transcript NM_004247.4 (MANE Select); coding-DNA position 1471, C replaced by T.
Protein change: p.His491Tyr; replaces histidine 491 with tyrosine.
Molecular consequence: missense variant.
Genome position (GRCh38, 1-based): chr17:44,862,849, G>A on the plus strand (C>T on the coding strand, the complement: EFTUD2 is on the minus strand). VCF-style: chr17-44862849-G-A. GRCh37 (hg19) VCF-style: chr17-42940217-G-A.
Other names: c.1366C>T, p.His456Tyr (NM_001142605.2); c.1471C>T, p.His491Tyr (NM_001258353.2); c.1441C>T, p.His481Tyr (NM_001258354.2); short protein forms H456Y, H481Y, H491Y.
Identifiers: ClinVar variation 4846783 (VCV004846783.1).
Genomic context (GRCh38, chr17:44,862,849, plus strand): 5'-CCAGTACCTTCACAGGCTGCCCAGCATGAATGGTGCCACTCAGCACCCGGCCAAAGGCGT[G>A]AAACTGGACTCCATCATCTGTGCTGTACATCTTAGTAGTGTGGCACATCAGGGGGCCCTG-3'
Protein context (NP_004238.3, residues 481-501): MYSTDDGVQF[His491Tyr]AFGRVLSGTI

ClinVar aggregate classification (germline): Uncertain significance (1 of 4 stars; one submission).

Conditions:
Mandibulofacial dysostosis-microcephaly syndrome (MFDGA). Also called: Growth and mental retardation, mandibulofacial dysostosis, microcephaly, and cleft palate; Mandibulofacial dysostosis, Guion-Almeida type. Identifiers: Orphanet 79113, MedGen C1864652, MONDO:0012516, OMIM 610536.

Submission:

Laboratorio de Genetica e Diagnostico Molecular, Hospital Israelita Albert Einstein
Classification: Uncertain significance for Mandibulofacial dysostosis-microcephaly syndrome. Last evaluated: 2026-02-05. Review status: criteria provided, single submitter. Criteria: ACMG Guidelines, 2015. Collection method: clinical testing. Allele origin: germline. Affected: yes.
Comment: ACMG classification criteria: PM2 supporting, PP2 supporting, BP4 supporting